The following is an entry in ClinVar:

NM_004656.4(BAP1):c.38G>C (p.Gly13Ala)

Gene: BAP1 (BRCA1 associated deubiquitinase 1; minus strand). Cytogenetic location: 3p21.1.
Variant type: single nucleotide variant.
Coding change: c.38G>C on transcript NM_004656.4 (MANE Select); coding-DNA position 38, G replaced by C.
Protein change: p.Gly13Ala; replaces glycine 13 with alanine.
Molecular consequence: missense variant.
Genome position (GRCh38, 1-based): chr3:52,409,743, C>G on the plus strand (G>C on the coding strand, the complement: BAP1 is on the minus strand). VCF-style: chr3-52409743-C-G. GRCh37 (hg19) VCF-style: chr3-52443759-C-G.
Other names: c.38G>C, p.Gly13Ala (NM_001410772.1); short protein forms G13A.
Identifiers: ClinVar variation 2749155 (VCV002749155.3), dbSNP rs2153228635, ClinGen allele CA353114997.

ClinVar aggregate classification (germline): Uncertain significance (1 of 4 stars; one submission).

Conditions:
BAP1-related tumor predisposition syndrome (TPDS1). Also called: Tumor susceptibility linked to germline BAP1 mutations; COMMON Syndrome; TUMOR PREDISPOSITION SYNDROME 1; BAP1 tumor predisposition syndrome. Identifiers: Orphanet 289539, MedGen C3280492, MONDO:0013692, OMIM 614327.

Submission:

Labcorp Genetics (formerly Invitae), Labcorp
Classification: Uncertain significance for BAP1-related tumor predisposition syndrome. Last evaluated: 2023-08-02. Review status: criteria provided, single submitter. Criteria: Invitae Variant Classification Sherloc (09022015). Collection method: clinical testing. Allele origin: germline.
Comment: In summary, the available evidence is currently insufficient to determine the role of this variant in disease. Therefore, it has been classified as a Variant of Uncertain Significance. An algorithm developed to predict the effect of missense changes on protein structure and function (PolyPhen-2) suggests that this variant is likely to be disruptive. This variant has not been reported in the literature in individuals affected with BAP1-related conditions. This variant is not present in population databases (gnomAD no frequency). This sequence change replaces glycine, which is neutral and non-polar, with alanine, which is neutral and non-polar, at codon 13 of the BAP1 protein (p.Gly13Ala).